The following is an entry in ClinVar:

ClinVar aggregate classification (germline): Uncertain significance (1 of 4 stars; one submission).

gnomAD v4.1: 8 of 1,613,866 alleles (0.0005%); highest among the groups gnomAD compares: East Asian, 0.0045%; no homozygotes.

Submission:

GeneDx
Classification: Uncertain significance. Last evaluated: 2025-03-05. Review status: criteria provided, single submitter. Criteria: GeneDx Variant Classification Process June 2021. Collection method: clinical testing. Allele origin: germline. Affected: yes.
Comment: Not observed at significant frequency in large population cohorts (gnomAD); In silico analysis indicates that this missense variant does not alter protein structure/function; Has not been previously published as pathogenic or benign to our knowledge

NM_144991.3(TSPEAR):c.1529G>A (p.Arg510Gln)

Gene: TSPEAR (thrombospondin type laminin G domain and EAR repeats; minus strand). Cytogenetic location: 21q22.3.
Variant type: single nucleotide variant.
Coding change: c.1529G>A on transcript NM_144991.3 (MANE Select); coding-DNA position 1529, G replaced by A.
Protein change: p.Arg510Gln; replaces arginine 510 with glutamine.
Molecular consequence: missense variant.
Genome position (GRCh38, 1-based): chr21:44,521,920, C>T on the plus strand (G>A on the coding strand, the complement: TSPEAR is on the minus strand). VCF-style: chr21-44521920-C-T. GRCh37 (hg19) VCF-style: chr21-45941803-C-T.
Other names: c.1325G>A, p.Arg442Gln (NM_001272037.2); short protein forms R442Q, R510Q.
Identifiers: ClinVar variation 4082655 (VCV004082655.1).
Genomic context (GRCh38, chr21:44,521,920, plus strand): 5'-GGGGCTCATGCGGGGGGCCTTACCGGGAAGGACTGGAAGAGCTGGAAGGAGCCCAGGAGT[C>T]GGATGTAGAGGTGCGAGTGCACCTTGGTGGAGGTGCCGTTGAAGGTGTTGGCCACCACCA-3'
Protein context (NP_659428.2, residues 500-520): STKVHSHLYI[Arg510Gln]LLGSFQLFQS